The following is an entry in ClinVar:

ClinVar aggregate classification (germline): Uncertain significance (1 of 4 stars; one submission).

Allele frequency attached by ClinVar (database versions not stated): gnomAD 0.00001; TOPMed 0.00002.
gnomAD v4.1: 2 of 1,613,868 alleles (0.00012%); highest among the groups gnomAD compares: African/African-American, 0.0013%; no homozygotes.

Submission:

Ambry Genetics
Classification: Uncertain significance. Last evaluated: 2025-07-10. Review status: criteria provided, single submitter. Criteria: Ambry Variant Classification Scheme 2023. Collection method: clinical testing. Allele origin: germline.
Comment: The p.A37T variant (also known as c.109G>A), located in coding exon 3 of the RPS20 gene, results from a G to A substitution at nucleotide position 109. The alanine at codon 37 is replaced by threonine, an amino acid with similar properties. This amino acid position is conserved. In addition, the in silico prediction for this alteration is inconclusive. Since supporting evidence is limited at this time, the clinical significance of this alteration remains unclear.

NM_001023.4(RPS20):c.109G>A (p.Ala37Thr)

Gene: RPS20 (ribosomal protein S20; minus strand). Cytogenetic location: 8q12.1.
Variant type: single nucleotide variant.
Coding change: c.109G>A on transcript NM_001023.4 (MANE Select); coding-DNA position 109, G replaced by A.
Protein change: p.Ala37Thr; replaces alanine 37 with threonine.
Molecular consequence: missense variant.
Genome position (GRCh38, 1-based): chr8:56,073,763, C>T on the plus strand (G>A on the coding strand, the complement: RPS20 is on the minus strand). VCF-style: chr8-56073763-C-T. GRCh37 (hg19) VCF-style: chr8-56986322-C-T.
Other names: c.109G>A, p.Ala37Thr (NM_001146227.3); short protein forms A37T.
Identifiers: ClinVar variation 1791788 (VCV001791788.3), dbSNP rs1435013029, ClinGen allele CA371283632.